The following is an entry in ClinVar:

ClinVar aggregate classification (germline): Uncertain significance. Review status: criteria provided, multiple submitters, no conflicts (2 of 4 stars). 2 submissions from 2 submitters: Uncertain significance (2). Last evaluated 2024-12-28.

Conditions:
Cardiovascular phenotype. Identifiers: MedGen CN230736.

Allele frequency attached by ClinVar (database versions not stated): ExAC 0.00007; TOPMed 0.00001.
gnomAD v4.1: 30 of 1,614,052 alleles (0.0019%); highest among the groups gnomAD compares: Middle Eastern, 0.017%; no homozygotes.

Submissions (2):

Ambry Genetics
Classification: Uncertain significance for Cardiovascular phenotype. Last evaluated: 2024-12-28. Review status: criteria provided, single submitter. Criteria: Ambry Variant Classification Scheme 2023. Collection method: clinical testing. Allele origin: germline.
Comment: The p.R724H variant (also known as c.2171G>A), located in coding exon 2 of the TNXB gene, results from a G to A substitution at nucleotide position 2171. The arginine at codon 724 is replaced by histidine, an amino acid with highly similar properties. This amino acid position is conserved. In addition, this alteration is predicted to be tolerated by in silico analysis. Based on the available evidence, the clinical significance of this variant remains unclear.

GeneDx
Classification: Uncertain significance. Last evaluated: 2019-04-11. Review status: criteria provided, single submitter. Criteria: GeneDx Variant Classification Process June 2021. Collection method: clinical testing. Allele origin: germline. Affected: yes.
Comment: Has not been previously published as pathogenic or benign to our knowledge; In silico analysis, which includes protein predictors and evolutionary conservation, supports a deleterious effect

NM_001365276.2(TNXB):c.2171G>A (p.Arg724His)

Gene: TNXB (tenascin XB; minus strand). Cytogenetic location: 6p21.33.
Variant type: single nucleotide variant.
Coding change: c.2171G>A on transcript NM_001365276.2 (MANE Select); coding-DNA position 2171, G replaced by A.
Protein change: p.Arg724His; replaces arginine 724 with histidine.
Molecular consequence: missense variant.
Genome position (GRCh38, 1-based): chr6:32,095,682, C>T on the plus strand (G>A on the coding strand, the complement: TNXB is on the minus strand). VCF-style: chr6-32095682-C-T. GRCh37 (hg19) VCF-style: chr6-32063459-C-T.
Other names: c.2171G>A, p.Arg724His (NM_019105.8); short protein forms R724H.
Identifiers: ClinVar variation 1304858 (VCV001304858.3), dbSNP rs751040353, ClinGen allele CA3735544.
Genomic context (GRCh38, chr6:32,095,682, plus strand): 5'-TCTTCGCCAGCATACCCATCTTTGCAGACACAGCTGCCATCGTGACACTCTCCTCGGCCA[C>T]GGCAGTCCCCTGGGCATGTCTGGATGGCACAGTCAGGGCCTCGGAAGCCCTCTACACACA-3'
Protein context (NP_001352205.1, residues 714-734): CAIQTCPGDC[Arg724His]GRGECHDGSC